The following is an entry in ClinVar:

NM_000287.4(PEX6):c.337G>A (p.Gly113Arg)

Gene: PEX6 (peroxisomal biogenesis factor 6; minus strand). Cytogenetic location: 6p21.1.
Variant type: single nucleotide variant.
Coding change: c.337G>A on transcript NM_000287.4 (MANE Select); coding-DNA position 337, G replaced by A.
Protein change: p.Gly113Arg; replaces glycine 113 with arginine.
Molecular consequence: missense variant. On other transcripts: non-coding transcript variant (1).
Genome position (GRCh38, 1-based): chr6:42,978,814, C>T on the plus strand (G>A on the coding strand, the complement: PEX6 is on the minus strand). VCF-style: chr6-42978814-C-T. GRCh37 (hg19) VCF-style: chr6-42946552-C-T.
Other names: c.337G>A, p.Gly113Arg (NM_001316313.2); short protein forms G113R.
Identifiers: ClinVar variation 1970542 (VCV001970542.4), dbSNP rs1432995414, ClinGen allele CA364167091.

ClinVar aggregate classification (germline): Uncertain significance (1 of 4 stars; one submission).

Conditions:
Peroxisome biogenesis disorder. Identifiers: Orphanet 79189, MedGen C1832200, MONDO:0019234. Disease mechanism: loss of function.

Allele frequency attached by ClinVar (database versions not stated): TOPMed below 0.00001; gnomAD 0.00001; gnomAD exomes 0.00001.

Submission:

Labcorp Genetics (formerly Invitae), Labcorp
Classification: Uncertain significance for Peroxisome biogenesis disorder. Last evaluated: 2024-11-04. Review status: criteria provided, single submitter. Criteria: Invitae Variant Classification Sherloc (09022015). Collection method: clinical testing. Allele origin: germline.
Comment: This sequence change replaces glycine, which is neutral and non-polar, with arginine, which is basic and polar, at codon 113 of the PEX6 protein (p.Gly113Arg). The frequency data for this variant in the population databases is considered unreliable, as metrics indicate poor data quality at this position in the gnomAD database. This variant has not been reported in the literature in individuals affected with PEX6-related conditions. ClinVar contains an entry for this variant (Variation ID: 1970542). An algorithm developed to predict the effect of missense changes on protein structure and function (PolyPhen-2) suggests that this variant is likely to be disruptive. In summary, the available evidence is currently insufficient to determine the role of this variant in disease. Therefore, it has been classified as a Variant of Uncertain Significance.